The following is an entry in ClinVar:

NM_000257.4(MYH7):c.5725C>A (p.Arg1909=)

Gene: MYH7 (myosin heavy chain 7; minus strand). Cytogenetic location: 14q11.2.
Variant type: single nucleotide variant.
Coding change: c.5725C>A on transcript NM_000257.4 (MANE Select); coding-DNA position 5725, C replaced by A.
Protein change: p.Arg1909=; no amino-acid change (arginine 1909 retained).
Molecular consequence: synonymous variant.
Genome position (GRCh38, 1-based): chr14:23,413,824, G>T on the plus strand (C>A on the coding strand, the complement: MYH7 is on the minus strand). VCF-style: chr14-23413824-G-T. GRCh37 (hg19) VCF-style: chr14-23883033-G-T.
Identifiers: ClinVar variation 164262 (VCV000164262.26), dbSNP rs146796870, ClinGen allele CA016414.

ClinVar aggregate classification (germline): Benign/Likely benign. Review status: criteria provided, multiple submitters, no conflicts (2 of 4 stars). 10 submissions from 10 submitters: Benign (1); Likely benign (8). 1 of the submissions does not count toward it. Last evaluated 2026-02-03.

Conditions:
MYH7-related disorder. Also called: MYH7-related disorders; MYH7-related condition; MYH7-related disease.
Cardiovascular phenotype. Identifiers: MedGen CN230736.
Cardiomyopathy (CMYO). Also called: Cardiomyopathies. Identifiers: Orphanet 167848, MedGen C0878544, MONDO:0004994, HP:0001638. Inheritance: Various modes of inheritance.
Hypertrophic cardiomyopathy. Also called: HYPERTROPHIC MYOCARDIOPATHY. Identifiers: Orphanet 217569, MedGen C0007194, MeSH D002312, MONDO:0005045, HP:0001639.

Allele frequency attached by ClinVar (database versions not stated): 1000 Genomes Project 30x 0.00016; 1000 Genomes Project 0.00020; ESP Exome Variant Server 0.00023; gnomAD 0.00029; TOPMed 0.00031.

Submissions (10):

Labcorp Genetics (formerly Invitae), Labcorp
Classification: Benign for Hypertrophic cardiomyopathy. Last evaluated: 2026-02-03. Review status: criteria provided, single submitter. Criteria: Invitae Variant Classification Sherloc (09022015). Collection method: clinical testing. Allele origin: germline.

Molecular Diagnostic Laboratory for Inherited Cardiovascular Disease, Montreal Heart Institute
Classification: Likely benign. Last evaluated: 2025-04-09. Review status: criteria provided, single submitter. Criteria: ACMG Guidelines, 2015. Collection method: clinical testing. Allele origin: germline. Affected: no.

ARUP Laboratories, Molecular Genetics and Genomics, ARUP Laboratories
Classification: Likely benign. Last evaluated: 2024-12-12. Review status: criteria provided, single submitter. Criteria: ARUP Molecular Germline Variant Investigation Process 2024. Collection method: clinical testing. Allele origin: germline.

All of Us Research Program, National Institutes of Health
Classification: Likely benign for Cardiomyopathy. Last evaluated: 2023-12-01. Review status: criteria provided, single submitter. Criteria: ACMG Guidelines, 2015. Collection method: clinical testing. Allele origin: germline. Inheritance: Autosomal dominant inheritance. Observed: 11 variant alleles, 11 heterozygotes.
Comment: This study involves interpretation of variants in research participants for the purpose of population health screening. Participant phenotype was not available at the time of variant classification. Additional details can be found in publication PMID: 35346344, PMCID: PMC8962531

GeneDx
Classification: Likely benign. Last evaluated: 2021-05-05. Review status: criteria provided, single submitter. Criteria: GeneDx Variant Classification Process June 2021. Collection method: clinical testing. Allele origin: germline. Affected: yes.

Color Diagnostics, LLC DBA Color Health
Classification: Likely benign for Cardiomyopathy. Last evaluated: 2018-11-25. Review status: criteria provided, single submitter. Criteria: ACMG Guidelines, 2015. Collection method: clinical testing. Allele origin: germline.

Ambry Genetics
Classification: Likely benign for Cardiovascular phenotype. Last evaluated: 2018-02-12. Review status: criteria provided, single submitter. Criteria: Ambry Variant Classification Scheme 2023. Collection method: clinical testing. Allele origin: germline.

Laboratory for Molecular Medicine, Mass General Brigham Personalized Medicine
Classification: Likely benign. Last evaluated: 2012-03-19. Review status: criteria provided, single submitter. Criteria: LMM Criteria. Collection method: clinical testing. Allele origin: germline. Observed: 1 variant allele.
Comment: p.Arg1909Arg in Exon 39 of MYH7: This variant is not expected to have clinical s ignificance because it does not alter an amino acid residue, is not located with in the splice consensus sequence. It has been identified in 0.1% (4/3738) of Afr ican American chromosomes from a broad population by the NHLBI Exome Sequencing Project (dbSNP rs146796870).

Breakthrough Genomics
Classification: Likely benign. Review status: criteria provided, single submitter. Criteria: ACMG Guidelines, 2015. Collection method: not provided. Allele origin: germline. Inheritance: Autosomal recessive inheritance. Affected: yes.

PreventionGenetics, part of Exact Sciences
Classification: Likely benign for MYH7-related condition. Last evaluated: 2022-07-25. Review status: no assertion criteria provided. Collection method: clinical testing. Allele origin: germline. Not counted in ClinVar's aggregate classification.
Comment: This variant is classified as likely benign based on ACMG/AMP sequence variant interpretation guidelines (Richards et al. 2015 PMID: 25741868, with internal and published modifications).